The following is an entry in ClinVar:

ClinVar aggregate classification (germline): Uncertain significance. Review status: criteria provided, multiple submitters, no conflicts (2 of 4 stars). 2 submissions from 2 submitters: Uncertain significance (2). Last evaluated 2025-11-19.

Conditions:
Acetyl-CoA: carboxylase deficiency (ACACAD). Also called: ACACA DEFICIENCY; ACC1 DEFICIENCY; Acetyl-CoA carboxylase deficiency. Identifiers: MedGen C0268603, MONDO:0013493, OMIM 613933.

Allele frequency attached by ClinVar (database versions not stated): gnomAD 0.00020 and 0.00021; TOPMed 0.00036; ESP Exome Variant Server 0.00038; ExAC 0.00010; gnomAD exomes 0.00014.
gnomAD v4.1: 482 of 1,614,028 alleles (0.03%); highest among the groups gnomAD compares: Middle Eastern, 0.049%; no homozygotes.

Submissions (2):

Labcorp Genetics (formerly Invitae), Labcorp
Classification: Uncertain significance. Last evaluated: 2025-11-19. Review status: criteria provided, single submitter. Criteria: Invitae Variant Classification Sherloc (09022015). Collection method: clinical testing. Allele origin: germline.
Comment: This sequence change replaces alanine, which is neutral and non-polar, with valine, which is neutral and non-polar, at codon 2271 of the ACACA protein (p.Ala2271Val). This variant is present in population databases (rs146351326, gnomAD 0.02%). This missense change has been observed in individual(s) with breast cancer (PMID: 15333468). ClinVar contains an entry for this variant (Variation ID: 1030416). An algorithm developed to predict the effect of missense changes on protein structure and function outputs the following: PolyPhen-2: "Benign". The valine amino acid residue is found in multiple mammalian species, which suggests that this missense change does not adversely affect protein function. In summary, the available evidence is currently insufficient to determine the role of this variant in disease. Therefore, it has been classified as a Variant of Uncertain Significance.

Baylor Genetics
Classification: Uncertain significance for Acetyl-CoA: carboxylase deficiency. Last evaluated: 2019-03-25. Review status: criteria provided, single submitter. Criteria: ACMG Guidelines, 2015. Collection method: clinical testing. Allele origin: unknown. Affected: yes.
Comment: This variant was determined to be of uncertain significance according to ACMG Guidelines, 2015 [PMID:25741868].

Literature cited by the submitters: PubMed 15333468 (cited by Labcorp Genetics (formerly Invitae), Labcorp).

NM_198834.3(ACACA):c.6923C>T (p.Ala2308Val)

Gene: ACACA (acetyl-CoA carboxylase alpha; minus strand). Cytogenetic location: 17q12.
Variant type: single nucleotide variant.
Coding change: c.6923C>T on transcript NM_198834.3 (MANE Select); coding-DNA position 6923, C replaced by T.
Protein change: p.Ala2308Val; replaces alanine 2308 with valine.
Molecular consequence: missense variant.
Genome position (GRCh38, 1-based): chr17:37,089,043, G>A on the plus strand (C>T on the coding strand, the complement: ACACA is on the minus strand). VCF-style: chr17-37089043-G-A. GRCh37 (hg19) VCF-style: chr17-35445978-G-A.
Other names: c.6812C>T, p.Ala2271Val (NM_198836.3, NM_198839.3); c.6638C>T, p.Ala2213Val (NM_198837.2); c.6578C>T, p.Ala2193Val (NM_198838.2); short protein forms A2193V, A2271V, A2308V, A2213V.
Identifiers: ClinVar variation 1030416 (VCV001030416.4), dbSNP rs146351326, ClinGen allele CA8514532.